The following is an entry in ClinVar:

ClinVar aggregate classification (germline): Uncertain significance (1 of 4 stars; one submission).

Allele frequency attached by ClinVar (database versions not stated): TOPMed below 0.00001; gnomAD 0.00001.
gnomAD v4.1: 9 of 1,613,624 alleles (0.00056%); highest among the groups gnomAD compares: Non-Finnish European, 0.00076%; no homozygotes.

Submission:

CeGaT Center for Human Genetics Tuebingen
Classification: Uncertain significance. Last evaluated: 2023-11-01. Review status: criteria provided, single submitter. Criteria: CeGaT Center For Human Genetics Tuebingen Variant Classification Criteria Version 2. Collection method: clinical testing. Allele origin: germline. Affected: yes. Observed: 1 variant allele.
Comment: LAMA4: PM2

NM_001105206.3(LAMA4):c.1357+5G>A

Gene: LAMA4 (laminin subunit alpha 4; minus strand). Cytogenetic location: 6q21.
Variant type: single nucleotide variant.
Coding change: c.1357+5G>A on transcript NM_001105206.3 (MANE Select); 5 bases into the intron after coding-DNA position 1357, G replaced by A.
Molecular consequence: intron variant.
Genome position (GRCh38, 1-based): chr6:112,175,308, C>T on the plus strand (G>A on the coding strand, the complement: LAMA4 is on the minus strand). VCF-style: chr6-112175308-C-T. GRCh37 (hg19) VCF-style: chr6-112496510-C-T.
Other names: c.1336+5G>A (NM_002290.5, NM_001105207.3).
Identifiers: ClinVar variation 2673076 (VCV002673076.23), dbSNP rs1162661488, ClinGen allele CA817316471.